The following is an entry in ClinVar:

NM_000540.3(RYR1):c.10938-12T>A

Gene: RYR1 (ryanodine receptor 1; plus strand). Cytogenetic location: 19q13.2.
Variant type: single nucleotide variant.
Coding change: c.10938-12T>A on transcript NM_000540.3 (MANE Select); 12 bases into the intron before coding-DNA position 10938, T replaced by A.
Molecular consequence: intron variant.
Genome position (GRCh38, 1-based): chr19:38,528,587, T>A. VCF-style: chr19-38528587-T-A. GRCh37 (hg19) VCF-style: chr19-39019227-T-A.
Other names: c.10923-12T>A (NM_001042723.2).
Identifiers: ClinVar variation 329102 (VCV000329102.9), dbSNP rs767711818, ClinGen allele CA055312.

ClinVar aggregate classification (germline): Conflicting classifications of pathogenicity. Review status: criteria provided, conflicting classifications (1 of 4 stars). 5 submissions from 4 submitters: Uncertain significance (2); Likely benign (3). Last evaluated 2024-12-18.

Conditions:
Malignant hyperthermia, susceptibility to, 1 (MHS1). Also called: Anesthesia related hyperthermia; Malignant hyperpyrexia; Fulminating hyperpyrexia; Pharmacogenic myopathy; RYR1-Related Malignant Hyperthermia Susceptibility; Malignant hyperthermia suceptibility 1. Identifiers: Orphanet 423, MedGen C2930980, MONDO:0007783, OMIM 145600.
Congenital multicore myopathy with external ophthalmoplegia (CMYO1B). Also called: MULTIMINICORE DISEASE WITH EXTERNAL OPHTHALMOPLEGIA; MULTICORE MYOPATHY; Congenital myopathy 1B, autosomal recessive; Minicore myopathy; Minicore myopathy with external ophthalmoplegia. Identifiers: Orphanet 598, Orphanet 98905, MedGen C1850674, MONDO:0009712, OMIM 255320, HP:0003789.

Allele frequency attached by ClinVar (database versions not stated): gnomAD 0.00006; TOPMed 0.00009.
gnomAD v4.1: 80 of 1,613,600 alleles (0.005%); highest among the groups gnomAD compares: Middle Eastern, 0.082%; 1 homozygote.

Submissions (5):

ARUP Laboratories, Molecular Genetics and Genomics, ARUP Laboratories
Classification: Likely benign. Last evaluated: 2024-12-18. Review status: criteria provided, single submitter. Criteria: ARUP Molecular Germline Variant Investigation Process 2024. Collection method: clinical testing. Allele origin: germline.

Blueprint Genetics
Classification: Likely benign. Last evaluated: 2024-10-23. Review status: criteria provided, single submitter. Criteria: ACMG Guidelines, 2015. Collection method: clinical testing. Allele origin: germline.

All of Us Research Program, National Institutes of Health
Classification: Likely benign for Malignant hyperthermia, susceptibility to, 1. Last evaluated: 2024-01-11. Review status: criteria provided, single submitter. Criteria: ACMG Guidelines, 2015. Collection method: clinical testing. Allele origin: germline. Inheritance: Autosomal dominant inheritance. Observed: 21 variant alleles, 21 heterozygotes.
Comment: This study involves interpretation of variants in research participants for the purpose of population health screening. Participant phenotype was not available at the time of variant classification. Additional details can be found in publication PMID: 35346344, PMCID: PMC8962531

Illumina Laboratory Services, Illumina
Classification: Uncertain significance for Congenital multicore myopathy with external ophthalmoplegia. Last evaluated: 2018-01-13. Review status: criteria provided, single submitter. Criteria: ICSL Variant Classification Criteria 13 December 2019. Collection method: clinical testing. Allele origin: germline.

Illumina Laboratory Services, Illumina
Classification: Uncertain significance for Malignant hyperthermia, susceptibility to, 1. Last evaluated: 2018-01-13. Review status: criteria provided, single submitter. Criteria: ICSL Variant Classification Criteria 13 December 2019. Collection method: clinical testing. Allele origin: germline.